The following is an entry in ClinVar:

ClinVar aggregate classification (germline): Likely benign (0 of 4 stars; one submission).

Conditions:
HLA-DRB1-related disorder. Also called: HLA-DRB1-related condition.

Allele frequency attached by ClinVar (database versions not stated): gnomAD exomes 0.15504; gnomAD 0.18341; ExAC 0.20436; 1000 Genomes Project 30x 0.21752.

Submission:

PreventionGenetics, part of Exact Sciences
Classification: Likely benign for HLA-DRB1-related condition. Last evaluated: 2020-12-17. Review status: no assertion criteria provided. Collection method: clinical testing. Allele origin: germline.
Comment: This variant is classified as likely benign based on ACMG/AMP sequence variant interpretation guidelines (Richards et al. 2015 PMID: 25741868, with internal and published modifications).

NM_002124.4(HLA-DRB1):c.446G>A (p.Ser149Asn)

Gene: HLA-DRB1 (major histocompatibility complex, class II, DR beta 1; minus strand). Cytogenetic location: 6p21.32.
Variant type: single nucleotide variant.
Coding change: c.446G>A on transcript NM_002124.4 (MANE Select); coding-DNA position 446, G replaced by A.
Protein change: p.Ser149Asn; replaces serine 149 with asparagine.
Molecular consequence: missense variant.
Genome position (GRCh38, 1-based): chr6:32,581,763, C>T on the plus strand (G>A on the coding strand, the complement: HLA-DRB1 is on the minus strand). VCF-style: chr6-32581763-C-T. GRCh37 (hg19) VCF-style: chr6-32549540-C-T.
Other names: short protein forms S149N.
Identifiers: ClinVar variation 3060198 (VCV003060198.2), dbSNP rs1059351, ClinGen allele CA3743002.